The following is an entry in ClinVar:

NM_032119.4(ADGRV1):c.13763G>A (p.Gly4588Glu)

Gene: ADGRV1 (adhesion G protein-coupled receptor V1; plus strand). Cytogenetic location: 5q14.3.
Variant type: single nucleotide variant.
Coding change: c.13763G>A on transcript NM_032119.4 (MANE Select); coding-DNA position 13763, G replaced by A.
Protein change: p.Gly4588Glu; replaces glycine 4588 with glutamic acid.
Molecular consequence: missense variant. On other transcripts: non-coding transcript variant (1).
Genome position (GRCh38, 1-based): chr5:90,788,180, G>A. VCF-style: chr5-90788180-G-A. GRCh37 (hg19) VCF-style: chr5-90083997-G-A.
Other names: c.13763G>A (NM_032119.3); short protein forms G4588E.
Identifiers: ClinVar variation 1433837 (VCV001433837.8), dbSNP rs759591489, ClinGen allele CA3341605.

ClinVar aggregate classification (germline): Conflicting classifications of pathogenicity. Review status: criteria provided, conflicting classifications (1 of 4 stars). 3 submissions from 3 submitters: Uncertain significance (2); Likely benign (1). Last evaluated 2026-07-19.

Conditions:
ADGRV1-related disorder. Also called: ADGRV1-related disorders; ADGRV1-related condition.

Allele frequency attached by ClinVar (database versions not stated): gnomAD 0.00001; gnomAD exomes 0.00001 and 0.00005; TOPMed 0.00002; ExAC 0.00004.
gnomAD v4.1: 17 of 1,613,734 alleles (0.0011%); highest among the groups gnomAD compares: East Asian, 0.038%; no homozygotes.

Submissions (3):

PreventionGenetics, part of Exact Sciences
Classification: Uncertain significance for ADGRV1-related condition. Last evaluated: 2026-07-19. Review status: criteria provided, single submitter. Criteria: ACMG Guidelines, 2015. Collection method: clinical testing. Allele origin: germline.
Comment: The ADGRV1 c.13763G>A variant is predicted to result in the amino acid substitution p.Gly4588Glu. This variant was reported in an individual with hearing loss without information on a second potentially causative variant (Table S2, Miyagawa et al. 2013. PubMed ID: 23967202). This variant is reported in 0.072% of alleles in individuals of East Asian descent in gnomAD. Although we suspect that this variant may be benign, at this time, the clinical significance of this variant is uncertain due to the absence of conclusive functional and genetic evidence.

Labcorp Genetics (formerly Invitae), Labcorp
Classification: Likely benign. Last evaluated: 2024-11-28. Review status: criteria provided, single submitter. Criteria: Invitae Variant Classification Sherloc (09022015). Collection method: clinical testing. Allele origin: germline.

Blueprint Genetics
Classification: Uncertain significance. Last evaluated: 2022-11-15. Review status: criteria provided, single submitter. Criteria: ACMG Guidelines, 2015. Collection method: clinical testing. Allele origin: germline.